The following is an entry in ClinVar:

NM_001458.5(FLNC):c.5456A>T (p.Asp1819Val)

Genes: FLNC-AS1 (FLNC antisense RNA 1; minus strand), FLNC (filamin C; plus strand). Cytogenetic location: 7q32.1.
Variant type: single nucleotide variant.
Coding change: c.5456A>T on transcript NM_001458.5 (MANE Select); coding-DNA position 5456, A replaced by T.
Protein change: p.Asp1819Val; replaces aspartic acid 1819 with valine.
Molecular consequence: missense variant.
Genome position (GRCh38, 1-based): chr7:128,850,860, A>T. VCF-style: chr7-128850860-A-T. GRCh37 (hg19) VCF-style: chr7-128490914-A-T.
Other names: c.5357A>T, p.Asp1786Val (NM_001127487.2); short protein forms D1786V, D1819V.
Identifiers: ClinVar variation 1364799 (VCV001364799.8), dbSNP rs2128938237, ClinGen allele CA369206731.

ClinVar aggregate classification (germline): Uncertain significance (1 of 4 stars; one submission).

Conditions:
Myofibrillar myopathy 5. Also called: FILAMINOPATHY, AUTOSOMAL DOMINANT; Filaminopathy (type). Identifiers: Orphanet 171445, MedGen C1836050, MONDO:0012289, OMIM 609524.
Distal myopathy with posterior leg and anterior hand involvement. Also called: WILLIAMS DISTAL MYOPATHY. Identifiers: Orphanet 63273, MedGen C3279722, MONDO:0013550, OMIM 614065.
Hypertrophic cardiomyopathy 26. Also called: Cardiomyopathy, familial hypertrophic, 26. Identifiers: Orphanet 75249, MedGen C4310749, MONDO:0014883, OMIM 617047.

Submission:

Labcorp Genetics (formerly Invitae), Labcorp
Classification: Uncertain significance for Distal myopathy with posterior leg and anterior hand involvement; Myofibrillar myopathy 5; Hypertrophic cardiomyopathy 26. Last evaluated: 2021-06-30. Review status: criteria provided, single submitter. Criteria: Invitae Variant Classification Sherloc (09022015). Collection method: clinical testing. Allele origin: germline.
Comment: This variant has not been reported in the literature in individuals affected with FLNC-related conditions. In summary, the available evidence is currently insufficient to determine the role of this variant in disease. Therefore, it has been classified as a Variant of Uncertain Significance. Algorithms developed to predict the effect of sequence changes on RNA splicing suggest that this variant may create or strengthen a splice site. Algorithms developed to predict the effect of missense changes on protein structure and function are either unavailable or do not agree on the potential impact of this missense change (SIFT: "Deleterious"; PolyPhen-2: "Probably Damaging"; Align-GVGD: "Class C15"). This variant is not present in population databases (ExAC no frequency). This sequence change replaces aspartic acid with valine at codon 1819 of the FLNC protein (p.Asp1819Val). The aspartic acid residue is highly conserved and there is a large physicochemical difference between aspartic acid and valine.